The following is an entry in ClinVar:

ClinVar aggregate classification (germline): Uncertain significance. Review status: criteria provided, multiple submitters, no conflicts (2 of 4 stars). 3 submissions from 3 submitters: Uncertain significance (3). Last evaluated 2025-09-11.

Conditions:
Inborn genetic diseases. Identifiers: MedGen C0950123, MeSH D030342.
Hereditary spastic paraplegia. Also called: Familial spastic paraparesis. Identifiers: Orphanet 685, MedGen C0037773, MONDO:0019064. Disease mechanism: loss of function.
Hereditary spastic paraplegia 28. Also called: Spastic paraplegia 28, autosomal recessive. Identifiers: Orphanet 101008, MedGen C1836295, MONDO:0012256, OMIM 609340.

Allele frequency attached by ClinVar (database versions not stated): gnomAD 0.00004 and 0.00005; TOPMed 0.00004; gnomAD exomes 0.00005 and 0.00009; ExAC 0.00011.
gnomAD v4.1: 83 of 1,611,122 alleles (0.0052%); highest among the groups gnomAD compares: South Asian, 0.059%; no homozygotes.

Submissions (3):

Ambry Genetics
Classification: Uncertain significance for Inborn genetic diseases. Last evaluated: 2025-09-11. Review status: criteria provided, single submitter. Criteria: Ambry Variant Classification Scheme 2023. Collection method: clinical testing. Allele origin: germline.

Labcorp Genetics (formerly Invitae), Labcorp
Classification: Uncertain significance for Hereditary spastic paraplegia 28. Last evaluated: 2024-02-24. Review status: criteria provided, single submitter. Criteria: Invitae Variant Classification Sherloc (09022015). Collection method: clinical testing. Allele origin: germline.
Comment: This sequence change replaces tyrosine, which is neutral and polar, with cysteine, which is neutral and slightly polar, at codon 89 of the DDHD1 protein (p.Tyr89Cys). This variant is present in population databases (rs771632283, gnomAD 0.06%). This variant has not been reported in the literature in individuals affected with DDHD1-related conditions. ClinVar contains an entry for this variant (Variation ID: 648556). An algorithm developed to predict the effect of missense changes on protein structure and function (PolyPhen-2) suggests that this variant is likely to be tolerated. In summary, the available evidence is currently insufficient to determine the role of this variant in disease. Therefore, it has been classified as a Variant of Uncertain Significance.

Genome Diagnostics Laboratory, The Hospital for Sick Children
Classification: Uncertain significance for Hereditary spastic paraplegia. Last evaluated: 2019-03-01. Review status: criteria provided, single submitter. Criteria: ACMG Guidelines, 2015. Collection method: clinical testing. Allele origin: germline. Affected: yes.

NM_001160148.2(DDHD1):c.266A>G (p.Tyr89Cys)

Gene: DDHD1 (DDHD domain containing 1; minus strand). Cytogenetic location: 14q22.1.
Variant type: single nucleotide variant.
Coding change: c.266A>G on transcript NM_001160148.2 (MANE Select); coding-DNA position 266, A replaced by G.
Protein change: p.Tyr89Cys; replaces tyrosine 89 with cysteine.
Molecular consequence: missense variant.
Genome position (GRCh38, 1-based): chr14:53,152,833, T>C on the plus strand (A>G on the coding strand, the complement: DDHD1 is on the minus strand). VCF-style: chr14-53152833-T-C. GRCh37 (hg19) VCF-style: chr14-53619551-T-C.
Other names: c.266A>G, p.Tyr89Cys (NM_001160147.2, NM_030637.3); c.266A>G (NM_001160148.1); short protein forms Y89C.
Identifiers: ClinVar variation 648556 (VCV000648556.12), dbSNP rs771632283, ClinGen allele CA7191555.